The following is an entry in ClinVar:

ClinVar aggregate classification (germline): Uncertain significance (1 of 4 stars; one submission).

Submission:

GeneDx
Classification: Uncertain significance. Last evaluated: 2023-04-28. Review status: criteria provided, single submitter. Criteria: GeneDx Variant Classification Process June 2021. Collection method: clinical testing. Allele origin: germline. Affected: yes.
Comment: Not observed at significant frequency in large population cohorts (gnomAD); In silico analysis supports a deleterious effect on splicing; Has not been previously published as pathogenic or benign to our knowledge

NM_144498.4(OSBPL2):c.996G>A (p.Leu332=)

Gene: OSBPL2 (oxysterol binding protein like 2; plus strand). Cytogenetic location: 20q13.33.
Variant type: single nucleotide variant.
Coding change: c.996G>A on transcript NM_144498.4 (MANE Select); coding-DNA position 996, G replaced by A.
Protein change: p.Leu332=; no amino-acid change (leucine 332 retained).
Molecular consequence: synonymous variant.
Genome position (GRCh38, 1-based): chr20:62,284,169, G>A. VCF-style: chr20-62284169-G-A. GRCh37 (hg19) VCF-style: chr20-60859225-G-A.
Other names: c.720G>A, p.Leu240= (NM_001278649.3, NM_001363878.2); c.960G>A, p.Leu320= (NM_014835.5).
Identifiers: ClinVar variation 2663401 (VCV002663401.1), dbSNP rs2516549292, ClinGen allele CA511113816.